The following is an entry in ClinVar:

NM_024417.5(FDXR):c.205G>A (p.Glu69Lys)

Gene: FDXR (ferredoxin reductase; minus strand). Cytogenetic location: 17q25.1.
Variant type: single nucleotide variant.
Coding change: c.205G>A on transcript NM_024417.5 (MANE Select); coding-DNA position 205, G replaced by A.
Protein change: p.Glu69Lys; replaces glutamic acid 69 with lysine.
Molecular consequence: missense variant. On other transcripts: non-coding transcript variant (1).
Genome position (GRCh38, 1-based): chr17:74,866,849, C>T on the plus strand (G>A on the coding strand, the complement: FDXR is on the minus strand). VCF-style: chr17-74866849-C-T. GRCh37 (hg19) VCF-style: chr17-72862971-C-T.
Other names: c.334G>A, p.Glu112Lys (NM_001258012.4); c.298G>A, p.Glu100Lys (NM_001258013.4); c.205G>A, p.Glu69Lys (NM_001258014.4, NM_004110.6); c.208G>A, p.Glu70Lys (NM_001258015.3); c.49G>A, p.Glu17Lys (NM_001258016.3); short protein forms E100K, E112K, E17K, E69K, E70K.
Identifiers: ClinVar variation 2662715 (VCV002662715.1), dbSNP rs773183528, ClinGen allele CA8753299.

ClinVar aggregate classification (germline): Uncertain significance (1 of 4 stars; one submission).

Allele frequency attached by ClinVar (database versions not stated): gnomAD exomes below 0.00001; gnomAD 0.00001; TOPMed 0.00001; ExAC 0.00002.
gnomAD v4.1: 3 of 1,614,064 alleles (0.00019%); highest among the groups gnomAD compares: East Asian, 0.0022%; no homozygotes.

Submission:

GeneDx
Classification: Uncertain significance. Last evaluated: 2023-10-03. Review status: criteria provided, single submitter. Criteria: GeneDx Variant Classification Process June 2021. Collection method: clinical testing. Allele origin: germline. Affected: yes.
Comment: Not observed at significant frequency in large population cohorts (gnomAD); In silico analysis supports that this missense variant has a deleterious effect on protein structure/function; Has not been previously published as pathogenic or benign to our knowledge